The following is an entry in ClinVar:

NC_000023.10:g.(?_32481536)_(32536268_?)del

Gene: DMD (dystrophin; minus strand). Cytogenetic location: Xp21.1.
Variant type: Deletion.
Identifiers: ClinVar variation 2424825 (VCV002424825.4).

ClinVar aggregate classification (germline): Pathogenic (1 of 4 stars; one submission).

Conditions:
Duchenne muscular dystrophy (DMD). Also called: Duchenne Muscular Dystrophy (DMD); MUSCULAR DYSTROPHY, PSEUDOHYPERTROPHIC PROGRESSIVE, DUCHENNE TYPE. Identifiers: Orphanet 98896, MedGen C0013264, MONDO:0010679, OMIM 310200.

Submission:

Labcorp Genetics (formerly Invitae), Labcorp
Classification: Pathogenic for Duchenne muscular dystrophy. Last evaluated: 2022-10-04. Review status: criteria provided, single submitter. Criteria: Invitae Variant Classification Sherloc (09022015). Collection method: clinical testing. Allele origin: germline.
Comment: This variant is a gross deletion of the genomic region encompassing exon(s) 18-25 of the DMD gene. This deletion is out-of-frame, and is expected to create a premature termination codon and result in an absent or disrupted protein product. Loss-of-function variants in DMD are known to be pathogenic (PMID: 16770791, 25007885). A similar copy number variant has been observed in individuals with Duchenne muscular dystrophy (PMID: 14977063, 31705731). For these reasons, this variant has been classified as Pathogenic.

Literature cited by the submitters: PubMed 16770791; PubMed 25007885; PubMed 14977063; PubMed 31705731.